The following is an entry in ClinVar:

ClinVar aggregate classification (germline): Pathogenic/Likely pathogenic. Review status: criteria provided, multiple submitters, no conflicts (2 of 4 stars). 2 submissions from 2 submitters: Pathogenic (1); Likely pathogenic (1). Last evaluated 2024-03-04.

Conditions:
Patterned macular dystrophy 2. Identifiers: Orphanet 99001, MedGen C1837029, MONDO:0012162, OMIM 608970.

Submissions (2):

Labcorp Genetics (formerly Invitae), Labcorp
Classification: Pathogenic. Last evaluated: 2024-03-04. Review status: criteria provided, single submitter. Criteria: Invitae Variant Classification Sherloc (09022015). Collection method: clinical testing. Allele origin: germline.
Comment: This sequence change affects a splice site in intron 3 of the CTNNA1 gene. RNA analysis indicates that disruption of this splice site induces altered splicing and may result in an absent or disrupted protein product. This variant is not present in population databases (gnomAD no frequency). This variant has not been reported in the literature in individuals affected with CTNNA1-related conditions. ClinVar contains an entry for this variant (Variation ID: 2028938). Studies have shown that disruption of this splice site results in skipping of exon 4 and introduces a premature termination codon (Invitae). The resulting mRNA is expected to undergo nonsense-mediated decay. For these reasons, this variant has been classified as Pathogenic.

Baylor Genetics
Classification: Likely pathogenic for Patterned macular dystrophy 2. Last evaluated: 2023-12-20. Review status: criteria provided, single submitter. Criteria: ACMG Guidelines, 2015. Collection method: clinical testing. Allele origin: unknown.

NM_001903.5(CTNNA1):c.302-2_302-1del

Gene: CTNNA1 (catenin alpha 1; plus strand). Cytogenetic location: 5q31.2.
Variant type: Deletion.
Coding change: c.302-2_302-1del on transcript NM_001903.5 (MANE Select); the canonical splice acceptor site of the intron before coding-DNA position 302, 2 bases deleted (AG; older notation c.302-2_302-1delAG).
Molecular consequence: splice acceptor variant. On other transcripts: intron variant (1).
Genome position (GRCh38, 1-based): chr5:138,810,036-138,810,037, AG deleted. VCF-style (leftmost placement, unchanged base first): chr5-138810035-CAG-C. GRCh37 (hg19) VCF-style: chr5-138145724-CAG-C.
Other names: c.302-2_302-1del (NM_001323982.2, NM_001323984.2, NM_001290307.3 and 3 more transcripts); c.-5-65_-5-64del (NM_001290310.3); c.-8-2_-8-1del (NM_001290309.3).
Identifiers: ClinVar variation 2028938 (VCV002028938.5), dbSNP rs2532329302, ClinGen allele CA2580072834.
Genomic context (GRCh38, chr5:138,810,035, plus strand): 5'-AAAAATGTAGATCAGTTATTTGAGTTCATTCTTGCTGAGTTTGTTTTTCATTCTGTAAAA[CAG>C]GTGATTTGATGAAGGCTGCTGCAGGAGAGTTCGCAGATGATCCCTGCTCTTCTGTGAAGC-3'